The following is an entry in ClinVar:

NM_147196.3(TMIE):c.122C>T (p.Pro41Leu)

Gene: TMIE (transmembrane inner ear; plus strand). Cytogenetic location: 3p21.31.
Variant type: single nucleotide variant.
Coding change: c.122C>T on transcript NM_147196.3 (MANE Select); coding-DNA position 122, C replaced by T.
Protein change: p.Pro41Leu; replaces proline 41 with leucine.
Molecular consequence: missense variant. On other transcripts: 5 prime UTR variant (2).
Genome position (GRCh38, 1-based): chr3:46,705,818, C>T. VCF-style: chr3-46705818-C-T. GRCh37 (hg19) VCF-style: chr3-46747308-C-T.
Other names: c.-38C>T (NM_001370524.1, NM_001370525.1); short protein forms P41L.
Identifiers: ClinVar variation 1418052 (VCV001418052.12), dbSNP rs199890509, ClinGen allele CA2357932.

ClinVar aggregate classification (germline): Uncertain significance. Review status: criteria provided, multiple submitters, no conflicts (2 of 4 stars). 3 submissions from 3 submitters: Uncertain significance (3). Last evaluated 2025-12-02.

Conditions:
Inborn genetic diseases. Identifiers: MedGen C0950123, MeSH D030342.

Allele frequency attached by ClinVar (database versions not stated): ExAC 0.00002; TOPMed 0.00003; gnomAD 0.00004 and 0.00005; 1000 Genomes Project 30x 0.00016; 1000 Genomes Project 0.00020.
gnomAD v4.1: 24 of 1,614,102 alleles (0.0015%); highest among the groups gnomAD compares: Middle Eastern, 0.033%; no homozygotes.

Submissions (3):

Ambry Genetics
Classification: Uncertain significance for Inborn genetic diseases. Last evaluated: 2025-12-02. Review status: criteria provided, single submitter. Criteria: Ambry Variant Classification Scheme 2023. Collection method: clinical testing. Allele origin: germline.

GeneDx
Classification: Uncertain significance. Last evaluated: 2022-06-29. Review status: criteria provided, single submitter. Criteria: GeneDx Variant Classification Process June 2021. Collection method: clinical testing. Allele origin: germline. Affected: yes.
Comment: In silico analysis supports that this missense variant has a deleterious effect on protein structure/function; Has not been previously published as pathogenic or benign to our knowledge

Labcorp Genetics (formerly Invitae), Labcorp
Classification: Uncertain significance. Last evaluated: 2021-04-25. Review status: criteria provided, single submitter. Criteria: Invitae Variant Classification Sherloc (09022015). Collection method: clinical testing. Allele origin: germline.
Comment: This sequence change replaces proline with leucine at codon 41 of the TMIE protein (p.Pro41Leu). The proline residue is highly conserved and there is a moderate physicochemical difference between proline and leucine. In summary, the available evidence is currently insufficient to determine the role of this variant in disease. Therefore, it has been classified as a Variant of Uncertain Significance. Algorithms developed to predict the effect of missense changes on protein structure and function are either unavailable or do not agree on the potential impact of this missense change (SIFT: "Tolerated"; PolyPhen-2: "Possibly Damaging"; Align-GVGD: "Class C0"). This variant has not been reported in the literature in individuals with TMIE-related conditions. This variant is present in population databases (rs199890509, ExAC 0.01%).